The following is an entry in ClinVar:

ClinVar aggregate classification (germline): Likely benign. Review status: criteria provided, multiple submitters, no conflicts (2 of 4 stars). 2 submissions from 2 submitters: Likely benign (2). Last evaluated 2025-10-03.

Conditions:
Breast-ovarian cancer, familial, susceptibility to, 4. Identifiers: Orphanet 145, MedGen C3280345, MONDO:0013669, OMIM 614291.

Submissions (2):

Labcorp Genetics (formerly Invitae), Labcorp
Classification: Likely benign for Breast-ovarian cancer, familial, susceptibility to, 4. Last evaluated: 2025-10-03. Review status: criteria provided, single submitter. Criteria: Invitae Variant Classification Sherloc (09022015). Collection method: clinical testing. Allele origin: germline.

Myriad Genetics, Inc.
Classification: Likely benign for Breast-ovarian cancer, familial, susceptibility to, 4. Last evaluated: 2025-02-20. Review status: criteria provided, single submitter. Criteria: Myriad Autosomal Dominant, Autosomal Recessive and X-Linked Classification Criteria (2023). Collection method: clinical testing. Allele origin: unknown.
Comment: This variant is considered likely benign. This variant is intronic and is not expected to impact mRNA splicing.

NM_002878.4(RAD51D):c.83-19A>C

Genes: RAD51D (RAD51 paralog D; minus strand), RAD51L3-RFFL (RAD51L3-RFFL readthrough; minus strand). Cytogenetic location: 17q12.
Variant type: single nucleotide variant.
Coding change: c.83-19A>C on transcript NM_002878.4 (MANE Select); 19 bases into the intron before coding-DNA position 83, A replaced by C.
Molecular consequence: intron variant.
Genome position (GRCh38, 1-based): chr17:35,119,191, T>G on the plus strand (A>C on the coding strand, the complement: RAD51D is on the minus strand). VCF-style: chr17-35119191-T-G. GRCh37 (hg19) VCF-style: chr17-33446210-T-G.
Other names: c.83-19A>C (NM_133629.3, NM_001142571.2).
Identifiers: ClinVar variation 1572557 (VCV001572557.9), dbSNP rs1057523591, ClinGen allele CA2573153704.